The following is an entry in ClinVar:

NM_000443.4(ABCB4):c.1769G>A (p.Arg590Gln)

Gene: ABCB4 (ATP binding cassette subfamily B member 4; minus strand). Cytogenetic location: 7q21.12.
Variant type: single nucleotide variant.
Coding change: c.1769G>A on transcript NM_000443.4 (MANE Select); coding-DNA position 1769, G replaced by A.
Protein change: p.Arg590Gln; replaces arginine 590 with glutamine.
Molecular consequence: missense variant.
Genome position (GRCh38, 1-based): chr7:87,431,528, C>T on the plus strand (G>A on the coding strand, the complement: ABCB4 is on the minus strand). VCF-style: chr7-87431528-C-T. GRCh37 (hg19) VCF-style: chr7-87060844-C-T.
Other names: c.1769G>A, p.Arg590Gln (NM_018849.3, NM_018850.3); short protein forms R590Q.
Identifiers: ClinVar variation 13697 (VCV000013697.65), dbSNP rs45575636, ClinGen allele CA123370.

ClinVar aggregate classification (germline): Conflicting classifications of pathogenicity. Review status: criteria provided, conflicting classifications (1 of 4 stars). 18 submissions from 15 submitters: Uncertain significance (12); Benign (1); Likely benign (3). 2 of the submissions do not count toward it. Last evaluated 2026-09-01.

Conditions:
Familial intrahepatic cholestasis. Identifiers: Orphanet 284385, MedGen CN296401, MONDO:0017290.
Low phospholipid associated cholelithiasis (GBD1). Also called: Gallbladder disease 1; Gallstone cholecystitis. Identifiers: Orphanet 69663, MedGen C2609268, MONDO:0010939, OMIM 600803.
ABCB4-related disorder. Also called: ABCB4-related disorders; ABCB4-related condition.
Cholestasis, intrahepatic, of pregnancy, 3. Identifiers: Orphanet 69665, MedGen C3554241, MONDO:0013995, OMIM 614972.
Progressive familial intrahepatic cholestasis type 3. Also called: MDR3 DEFICIENCY; Low Gamma-GT Familial Intrahepatic Cholestasis. Identifiers: Orphanet 79305, MedGen C1865643, MONDO:0011214, OMIM 602347.
Progressive familial intrahepatic cholestasis type 1. Also called: BYLER DISEASE; Severe ATP8B1 Deficiency (Progressive Familial Intrahepatic Cholestasis Type 1 [PFIC1]); Byler's disease. Identifiers: Orphanet 79306, MedGen C4551898, MONDO:0008892, OMIM 211600.

Allele frequency attached by ClinVar (database versions not stated): 1000 Genomes Project 0.00439; gnomAD 0.00598 and 0.00625; TOPMed 0.00663; ESP Exome Variant Server 0.00784; ExAC 0.00418; 1000 Genomes Project 30x 0.00453.
gnomAD v4.1: 10,812 of 1,614,056 alleles (0.67%); highest among the groups gnomAD compares: Non-Finnish European, 0.8%; 45 homozygotes.

Submissions 1 to 14 of 18:

CeGaT Center for Human Genetics Tuebingen
Classification: Likely benign. Last evaluated: 2026-09-01. Review status: criteria provided, single submitter. Criteria: CeGaT Center For Human Genetics Tuebingen Variant Classification Criteria Version 2. Collection method: clinical testing. Allele origin: germline. Affected: yes. Observed: 7 variant alleles.
Comment: ABCB4: BS2

Genomenon, Inc
Classification: Uncertain significance for Familial intrahepatic cholestasis; Low phospholipid associated cholelithiasis. Last evaluated: 2026-04-14. Review status: criteria provided, single submitter. Criteria: Genomenon Sequence Variant Interpretation Standards - Updated. Collection method: curation. Allele origin: germline. Affected: yes.
Comment: ABCB4 p.Arg590Gln (c.1769G>A) is a missense variant that changes the amino acid at residue 590 from Arginine to Glutamine. This variant has been observed in at least one proband with an ABCB4-related disorder (PMID:35626323;35288833;32893960;31538484;29761167;28924228;28733223;18083082;19584064;23533021;23684896). In silico models predict that this variant is possibly or probably damaging. In conclusion, we classify ABCB4 p.Arg590Gln (c.1769G>A) as a variant of uncertain significance.

GeneDx
Classification: Uncertain significance. Last evaluated: 2025-07-13. Review status: criteria provided, single submitter. Criteria: GeneDx Variant Classification Process June 2021. Collection method: clinical testing. Allele origin: germline. Affected: yes.
Comment: Reported in association with ABCB4-related disorders in several individuals who were heterozygous for R590Q alone, homozygous for R590Q, or heterozygous for R590Q and another variant in the ABCB4 gene (PMID: 18482588, 17726488, 21119540, 23533021, 26324191, 35626323, 35894240, 36982896, Lourembam-2021[CaseReport]); In silico analysis supports that this missense variant has a deleterious effect on protein structure/function; This variant is associated with the following publications: (PMID: 20981092, 22995991, 26324191, 35460704, 35288833, 18083082, 27825922, 31127640, 22675952, 25882097, 21119540, 23533021, 25807286, 28776642, 28924228, 28587926, 28765628, 27936482, 19584064, 29761167, 28733223, 31538484, 32893960, Jarasvaraparn-2021[CaseReport], Lourembam-2021[CaseReport], 34662886, 35894240, 34942279, 35626323, 36982896, 19261551, 19018976, 17726488, 18482588)

Center for Genomic Medicine, Rigshospitalet, Copenhagen University Hospital
Classification: Uncertain significance. Last evaluated: 2025-03-04. Review status: criteria provided, single submitter. Criteria: ACMG Guidelines, 2015. Collection method: clinical testing. Allele origin: germline.

Labcorp Genetics (formerly Invitae), Labcorp
Classification: Uncertain significance. Last evaluated: 2025-01-31. Review status: criteria provided, single submitter. Criteria: Invitae Variant Classification Sherloc (09022015). Collection method: clinical testing. Allele origin: germline.
Comment: This sequence change replaces arginine, which is basic and polar, with glutamine, which is neutral and polar, at codon 590 of the ABCB4 protein (p.Arg590Gln). This variant is present in population databases (rs45575636, gnomAD 0.7%), including at least one homozygous and/or hemizygous individual. This missense change has been observed in individual(s) with clinical features of ABCB4-related conditions (PMID: 18482588, 21119540, 28733223, 31538484). ClinVar contains an entry for this variant (Variation ID: 13697). Invitae Evidence Modeling of protein sequence and biophysical properties (such as structural, functional, and spatial information, amino acid conservation, physicochemical variation, residue mobility, and thermodynamic stability) indicates that this missense variant is expected to disrupt ABCB4 protein function with a positive predictive value of 80%. In summary, the available evidence is currently insufficient to determine the role of this variant in disease. Therefore, it has been classified as a Variant of Uncertain Significance.

Fulgent Genetics
Classification: Uncertain significance for Low phospholipid associated cholelithiasis; Progressive familial intrahepatic cholestasis type 3; Cholestasis, intrahepatic, of pregnancy, 3. Last evaluated: 2024-06-06. Review status: criteria provided, single submitter. Criteria: ACMG Guidelines, 2015. Collection method: clinical testing. Allele origin: germline.

Mayo Clinic Laboratories, Mayo Clinic
Classification: Uncertain significance. Last evaluated: 2022-11-21. Review status: criteria provided, single submitter. Criteria: ACMG Guidelines, 2015. Collection method: clinical testing. Allele origin: germline. Observed: 4 variant alleles.
Comment: BS1, BP2

Women's Health and Genetics/Laboratory Corporation of America, LabCorp
Classification: Uncertain significance. Last evaluated: 2022-05-03. Review status: criteria provided, single submitter. Criteria: LabCorp Variant Classification Summary - May 2015. Collection method: clinical testing. Allele origin: germline.
Comment: Variant summary: ABCB4 c.1769G>A (p.Arg590Gln) results in a conservative amino acid change located in the ABC transporter-like, ATP-binding domain (IPR003439) of the encoded protein sequence. Four of five in-silico tools predict a damaging effect of the variant on protein function. The variant allele was found at a frequency of 0.0045 in 251094 control chromosomes in the gnomAD database, including 4 homozygotes. The observed variant frequency is approximately 2.0 fold of the estimated maximal expected allele frequency for a pathogenic variant in ABCB4 causing Familial Intrahepatic Cholestasis phenotype (0.0022), strongly suggesting that the variant is benign. c.1769G>A has been reported in the literature among individuals with ABCB4-related conditions such as Anicteric Cholestasis, low phospholipid-associated cholelithiasis (LPAC), Progressive familial intrahepatic cholestasis (example, Ziol_2008, Tuan Huynh_2019, Colombo_2011, Droge_2017). These data do not allow any conclusion about variant significance. At-least one co-occurrence in cis with another presumably pathogenic variant(s) has been reported (Colombo_2011, ABCB4 c.2284G>T, p.G762X), providing supporting evidence for a benign role. To our knowledge, no experimental evidence demonstrating an impact on protein function has been reported. Seven clinical diagnostic laboratories have submitted clinical-significance assessments for this variant to ClinVar after 2014 without evidence for independent evaluation. Multiple laboratories reported the variant with conflicting assessments (Benign/Likely Benign, n=2; VUS, n=5). Based on the evidence outlined above, the variant was classified as VUS-possibly benign.

Department of Pathology and Laboratory Medicine, Sinai Health System
Classification: Likely benign for progressive familial intrahepatic cholestasis type 3. Last evaluated: 2022-02-07. Review status: criteria provided, single submitter. Criteria: ACMG Guidelines, 2015. Collection method: research. Allele origin: germline.

Mendelics
Classification: Uncertain significance for Progressive familial intrahepatic cholestasis type 1. Last evaluated: 2019-05-28. Review status: criteria provided, single submitter. Criteria: Mendelics Assertion Criteria 2017. Collection method: clinical testing. Allele origin: unknown.

Eurofins Ntd Llc (ga)
Classification: Uncertain significance. Last evaluated: 2018-04-10. Review status: criteria provided, single submitter. Criteria: EGL ClinVar v180209 classification definitions. Collection method: clinical testing. Allele origin: germline. Observed: 48 variant alleles, 47 heterozygotes, 1 homozygote.

Genomic Research Center, Shahid Beheshti University of Medical Sciences
Classification: Uncertain significance for Progressive familial intrahepatic cholestasis type 3. Last evaluated: 2018-03-05. Review status: criteria provided, single submitter. Criteria: ACMG Guidelines, 2015. Collection method: clinical testing. Allele origin: inherited. Affected: no. Observed: 1 variant allele.

Genomic Research Center, Shahid Beheshti University of Medical Sciences
Classification: Uncertain significance for Cholestasis, intrahepatic, of pregnancy, 3. Last evaluated: 2018-03-05. Review status: criteria provided, single submitter. Criteria: ACMG Guidelines, 2015. Collection method: clinical testing. Allele origin: inherited. Affected: no. Observed: 1 variant allele.

Genomic Research Center, Shahid Beheshti University of Medical Sciences
Classification: Uncertain significance for Cholecystitis. Last evaluated: 2018-03-05. Review status: criteria provided, single submitter. Criteria: ACMG Guidelines, 2015. Collection method: clinical testing. Allele origin: inherited. Affected: no. Observed: 1 variant allele.